The following is an entry in ClinVar:

NM_006230.4(POLD2):c.322C>G (p.Leu108Val)

Gene: POLD2 (DNA polymerase delta 2, accessory subunit; minus strand). Cytogenetic location: 7p13.
Variant type: single nucleotide variant.
Coding change: c.322C>G on transcript NM_006230.4 (MANE Select); coding-DNA position 322, C replaced by G.
Protein change: p.Leu108Val; replaces leucine 108 with valine.
Molecular consequence: missense variant.
Genome position (GRCh38, 1-based): chr7:44,117,963, G>C on the plus strand (C>G on the coding strand, the complement: POLD2 is on the minus strand). VCF-style: chr7-44117963-G-C. GRCh37 (hg19) VCF-style: chr7-44157562-G-C.
Other names: c.322C>G, p.Leu108Val (NM_001127218.3, NM_001256879.2); short protein forms L108V.
Identifiers: ClinVar variation 3701378 (VCV003701378.2).

ClinVar aggregate classification (germline): Uncertain significance (1 of 4 stars; one submission).

gnomAD v4.1: 2 of 1,614,188 alleles (0.00012%); highest among the groups gnomAD compares: African/African-American, 0.0027%; no homozygotes.

Submission:

Labcorp Genetics (formerly Invitae), Labcorp
Classification: Uncertain significance. Last evaluated: 2024-08-20. Review status: criteria provided, single submitter. Criteria: Invitae Variant Classification Sherloc (09022015). Collection method: clinical testing. Allele origin: germline.
Comment: This sequence change replaces leucine, which is neutral and non-polar, with valine, which is neutral and non-polar, at codon 143 of the POLD2 protein (p.Leu143Val). This variant is not present in population databases (gnomAD no frequency). This variant has not been reported in the literature in individuals affected with POLD2-related conditions. Experimental studies and prediction algorithms are not available or were not evaluated, and the functional significance of this variant is currently unknown. In summary, the available evidence is currently insufficient to determine the role of this variant in disease. Therefore, it has been classified as a Variant of Uncertain Significance.